The following is an entry in ClinVar:

ClinVar aggregate classification (germline): Uncertain significance. Review status: criteria provided, multiple submitters, no conflicts (2 of 4 stars). 2 submissions from 2 submitters: Uncertain significance (2). Last evaluated 2023-05-09.

Conditions:
Inborn genetic diseases. Identifiers: MedGen C0950123, MeSH D030342.
Wolfram syndrome 1 (WFS1). Identifiers: Orphanet 3463, MedGen C4551693, MONDO:0009101, OMIM 222300.

gnomAD v4.1: 1 of 1,606,056 alleles (0.000062%); highest among the groups gnomAD compares: East Asian, 0.0022%; no homozygotes.

Submissions (2):

Ambry Genetics
Classification: Uncertain significance for Inborn genetic diseases. Last evaluated: 2023-05-09. Review status: criteria provided, single submitter. Criteria: Ambry Variant Classification Scheme 2023. Collection method: clinical testing. Allele origin: germline.

Victorian Clinical Genetics Services, Murdoch Childrens Research Institute
Classification: Uncertain significance for Wolfram syndrome 1. Last evaluated: 2020-05-21. Review status: criteria provided, single submitter. Criteria: ACMG Guidelines, 2015. Collection method: clinical testing. Allele origin: germline. Inheritance: Autosomal recessive inheritance. Affected: yes.
Comment: A heterozygous missense variant was identified, NM_006005.3(WFS1):c.2449C>A in exon 8 of 8 of the WFS1 gene. This substitution is predicted to create a minor amino acid change from a leucine to a methionine at position 817 of the protein; NP_005996.2(WFS1):p.(Leu817Met). The leucine at this position has high conservation (100 vertebrates, UCSC), but is not situated in a known functional domain (NCBI, PDB). In silico software predicts this variant to be damaging (PolyPhen2, SIFT, CADD, Mutation Taster). The variant is present in the gnomAD population database at a frequency of 0.00081% (2 heterozygotes, 0 homozygotes). This variant has been previously reported as a VUS (deafnessvariationdatabase). Based on information available at the time of curation, this variant has been classified as a VUS.

NM_006005.3(WFS1):c.2449C>A (p.Leu817Met)

Gene: WFS1 (wolframin ER transmembrane glycoprotein; plus strand). Cytogenetic location: 4p16.1.
Variant type: single nucleotide variant.
Coding change: c.2449C>A on transcript NM_006005.3 (MANE Select); coding-DNA position 2449, C replaced by A.
Protein change: p.Leu817Met; replaces leucine 817 with methionine.
Molecular consequence: missense variant.
Genome position (GRCh38, 1-based): chr4:6,302,244, C>A. VCF-style: chr4-6302244-C-A. GRCh37 (hg19) VCF-style: chr4-6303971-C-A.
Other names: c.2449C>A, p.Leu817Met (NM_001145853.1); short protein forms L817M.
Identifiers: ClinVar variation 2545863 (VCV002545863.3), dbSNP rs768984174, ClinGen allele CA2839744.